The following is an entry in ClinVar:

NM_024753.5(TTC21B):c.1024G>A (p.Glu342Lys)

Gene: TTC21B (tetratricopeptide repeat domain 21B; minus strand). Cytogenetic location: 2q24.3.
Variant type: single nucleotide variant.
Coding change: c.1024G>A on transcript NM_024753.5 (MANE Select); coding-DNA position 1024, G replaced by A.
Protein change: p.Glu342Lys; replaces glutamic acid 342 with lysine.
Molecular consequence: missense variant.
Genome position (GRCh38, 1-based): chr2:165,930,235, C>T on the plus strand (G>A on the coding strand, the complement: TTC21B is on the minus strand). VCF-style: chr2-165930235-C-T. GRCh37 (hg19) VCF-style: chr2-166786745-C-T.
Other names: short protein forms E342K.
Identifiers: ClinVar variation 3749979 (VCV003749979.2).

ClinVar aggregate classification (germline): Uncertain significance (1 of 4 stars; one submission).

Conditions:
Jeune thoracic dystrophy. Also called: Infantile thoracic dystrophy; Thoracic pelvic phalangeal dystrophy; Jeune's syndrome; Chondroectodermal dysplasia-like syndrome; Jeune syndrome; Short-rib thoracic dysplasia. Identifiers: Orphanet 474, MedGen C0265275, MONDO:0018770.
Nephronophthisis. Also called: Juvenile Nephronophthisis. Identifiers: Orphanet 655, MedGen C0687120, MONDO:0019005, HP:0000090.

gnomAD v4.1: 3 of 1,613,312 alleles (0.00019%); highest among the groups gnomAD compares: Non-Finnish European, 0.00025%; no homozygotes.

Submission:

Labcorp Genetics (formerly Invitae), Labcorp
Classification: Uncertain significance for Jeune thoracic dystrophy; Nephronophthisis. Last evaluated: 2024-05-15. Review status: criteria provided, single submitter. Criteria: Invitae Variant Classification Sherloc (09022015). Collection method: clinical testing. Allele origin: germline.
Comment: This sequence change replaces glutamic acid, which is acidic and polar, with lysine, which is basic and polar, at codon 342 of the TTC21B protein (p.Glu342Lys). This variant is not present in population databases (gnomAD no frequency). This variant has not been reported in the literature in individuals affected with TTC21B-related conditions. Advanced modeling of protein sequence and biophysical properties (such as structural, functional, and spatial information, amino acid conservation, physicochemical variation, residue mobility, and thermodynamic stability) performed at Invitae indicates that this missense variant is not expected to disrupt TTC21B protein function with a negative predictive value of 95%. In summary, the available evidence is currently insufficient to determine the role of this variant in disease. Therefore, it has been classified as a Variant of Uncertain Significance.